The following is an entry in ClinVar:

ClinVar aggregate classification (germline): Uncertain significance (1 of 4 stars; one submission).

Conditions:
Hereditary pancreatitis (PCTT). Also called: Hereditary chronic pancreatitis; PRSS1-Related Hereditary Pancreatitis. Identifiers: Orphanet 676, MedGen C0238339, MONDO:0008185, OMIM 167800.

Submission:

Ambry Genetics
Classification: Uncertain significance for Hereditary pancreatitis. Last evaluated: 2026-05-16. Review status: criteria provided, single submitter. Criteria: Ambry Variant Classification Scheme 2023. Collection method: clinical testing. Allele origin: germline.
Comment: The p.T378S variant (also known as c.1132A>T), located in coding exon 10 of the CPA1 gene, results from an A to T substitution at nucleotide position 1132. The threonine at codon 378 is replaced by serine, an amino acid with similar properties. This amino acid position is conserved. In addition, this alteration is predicted to be tolerated by in silico analysis. Based on the available evidence, the clinical significance of this variant remains unclear.

NM_001868.4(CPA1):c.1132A>T (p.Thr378Ser)

Gene: CPA1 (carboxypeptidase A1; plus strand). Cytogenetic location: 7q32.2.
Variant type: single nucleotide variant.
Coding change: c.1132A>T on transcript NM_001868.4 (MANE Select); coding-DNA position 1132, A replaced by T.
Protein change: p.Thr378Ser; replaces threonine 378 with serine.
Molecular consequence: missense variant.
Genome position (GRCh38, 1-based): chr7:130,387,883, A>T. VCF-style: chr7-130387883-A-T. GRCh37 (hg19) VCF-style: chr7-130027724-A-T.
Other names: short protein forms T378S.
Identifiers: ClinVar variation 4869375 (VCV004869375.1).